The following is an entry in ClinVar:

ClinVar aggregate classification (germline): Uncertain significance (1 of 4 stars; one submission).

Conditions:
RASopathy. Also called: rasopathies; Noonan spectrum disorder. Identifiers: Orphanet 536391, MedGen C5555857, MONDO:0021060.

Allele frequency attached by ClinVar (database versions not stated): gnomAD exomes below 0.00001; TOPMed below 0.00001.

Submission:

Labcorp Genetics (formerly Invitae), Labcorp
Classification: Uncertain significance for RASopathy. Last evaluated: 2018-12-04. Review status: criteria provided, single submitter. Criteria: Invitae Variant Classification Sherloc (09022015). Collection method: clinical testing. Allele origin: germline.
Comment: This sequence change replaces asparagine with histidine at codon 126 of the MAP2K2 protein (p.Asn126His). The asparagine residue is highly conserved and there is a small physicochemical difference between asparagine and histidine. In summary, the available evidence is currently insufficient to determine the role of this variant in disease. Therefore, it has been classified as a Variant of Uncertain Significance. Algorithms developed to predict the effect of missense changes on protein structure and function (SIFT, PolyPhen-2, Align-GVGD) all suggest that this variant is likely to be disruptive, but these predictions have not been confirmed by published functional studies and their clinical significance is uncertain. This variant has not been reported in the literature in individuals with MAP2K2-related conditions. This variant is not present in population databases (ExAC no frequency).

NM_030662.4(MAP2K2):c.376A>C (p.Asn126His)

Gene: MAP2K2 (mitogen-activated protein kinase kinase 2; minus strand). Cytogenetic location: 19p13.3.
Variant type: single nucleotide variant.
Coding change: c.376A>C on transcript NM_030662.4 (MANE Select); coding-DNA position 376, A replaced by C.
Protein change: p.Asn126His; replaces asparagine 126 with histidine.
Molecular consequence: missense variant.
Genome position (GRCh38, 1-based): chr19:4,110,583, T>G on the plus strand (A>C on the coding strand, the complement: MAP2K2 is on the minus strand). VCF-style: chr19-4110583-T-G. GRCh37 (hg19) VCF-style: chr19-4110581-T-G.
Other names: short protein forms N126H.
Identifiers: ClinVar variation 651646 (VCV000651646.8), dbSNP rs1057519806, ClinGen allele CA403391510.